The following is an entry in ClinVar:

ClinVar aggregate classification (germline): Likely pathogenic (1 of 4 stars; one submission).

Conditions:
Seckel syndrome 6 (SCKL6). Identifiers: MedGen C3553582, MONDO:0013871, OMIM 614728.

Submission:

Department of Paediatric Medicine, Post Graduation Institute of Medical Education and Research
Classification: Likely pathogenic for Seckel syndrome 6. Last evaluated: 2023-03-01. Review status: criteria provided, single submitter. Criteria: ACMG Guidelines, 2015. Collection method: clinical testing. Allele origin: inherited. Inheritance: Autosomal recessive inheritance. Affected: no. Observed: 1 variant allele, 1 heterozygote.
Comment: PVS1, PM2

NM_001353108.3(CEP63):c.1835del (p.Ser611_Leu612insTer)

Gene: CEP63 (centrosomal protein 63; plus strand). Cytogenetic location: 3q22.2.
Variant type: Deletion.
Coding change: c.1835del on transcript NM_001353108.3 (MANE Select); coding-DNA position 1835, one base deleted (T; older notation c.1835delT).
Protein change: p.Ser611_Leu612insTer.
Molecular consequence: nonsense. On other transcripts: non-coding transcript variant (1), intron variant (17).
Genome position (GRCh38, 1-based): chr3:134,559,311, T deleted; the last of 3 consecutive T bases (chr3:134,559,309-134,559,311); deleting any one gives the same sequence. VCF-style (leftmost placement, unchanged base first): chr3-134559308-CT-C. GRCh37 (hg19) VCF-style: chr3-134278150-CT-C.
Other names: c.1697del, p.Ser565_Leu566insTer (NM_001353109.1); c.1835del, p.Ser611_Leu612insTer (NM_025180.5); c.1467+7299del (NM_001353113.1, NM_001353117.2); c.1329+7299del (NM_001042384.2, NM_001353124.2, NM_001353123.2); c.1330-2066del (NM_001353122.1, NM_001042383.2, NM_001353121.2 and 2 more transcripts); c.1468-2066del (NM_001353110.1, NM_001353112.2, NM_001353111.2 and 1 more transcripts); c.1357-2066del (NM_001353118.1); c.967-2066del (NM_001353126.2); and 1 more.
Identifiers: ClinVar variation 2431057 (VCV002431057.2), dbSNP rs2547181177, ClinGen allele CA2580068795.